The following is an entry in ClinVar:

NM_201384.3(PLEC):c.3730G>C (p.Val1244Leu)

Gene: PLEC (plectin; minus strand). Cytogenetic location: 8q24.3.
Variant type: single nucleotide variant.
Coding change: c.3730G>C on transcript NM_201384.3 (MANE Select); coding-DNA position 3730, G replaced by C.
Protein change: p.Val1244Leu; replaces valine 1244 with leucine.
Molecular consequence: missense variant.
Genome position (GRCh38, 1-based): chr8:143,927,436, C>G on the plus strand (G>C on the coding strand, the complement: PLEC is on the minus strand). VCF-style: chr8-143927436-C-G. GRCh37 (hg19) VCF-style: chr8-145001604-C-G.
Other names: c.3811G>C, p.Val1271Leu (NM_000445.5, NM_001410941.1); c.3688G>C, p.Val1230Leu (NM_201378.4); c.3664G>C, p.Val1222Leu (NM_201379.3); c.4141G>C, p.Val1381Leu (NM_201380.4); c.3634G>C, p.Val1212Leu (NM_201381.3); c.3730G>C, p.Val1244Leu (NM_201382.4); c.3742G>C, p.Val1248Leu (NM_201383.3); short protein forms V1212L, V1222L, V1230L, V1244L, V1248L, V1271L, V1381L.
Identifiers: ClinVar variation 3754471 (VCV003754471.2).

ClinVar aggregate classification (germline): Uncertain significance (1 of 4 stars; one submission).

Conditions:
Epidermolysis bullosa simplex with nail dystrophy (EBS5D). Identifiers: MedGen C4225309, MONDO:0014661, OMIM 616487.
Epidermolysis bullosa simplex, Ogna type (EBS5A). Also called: Pidermolysis bullosa simplex 5A, Ogna type; EPIDERMOLYSIS BULLOSA SIMPLEX 5A, OGNA TYPE. Identifiers: Orphanet 79401, MedGen C0432317, MONDO:0007555, OMIM 131950.
Autosomal recessive limb-girdle muscular dystrophy type 2Q (LGMDR17). Also called: MUSCULAR DYSTROPHY, LIMB-GIRDLE, AUTOSOMAL RECESSIVE 17. Identifiers: Orphanet 254361, MedGen C3150989, MONDO:0013390, OMIM 613723.
Epidermolysis bullosa simplex 5B, with muscular dystrophy (EBS5B). Also called: EPIDERMOLYSIS BULLOSA SIMPLEX AND LIMB-GIRDLE MUSCULAR DYSTROPHY; Epidermolysis bullosa simplex with muscular dystrophy. Identifiers: Orphanet 257, MedGen C2931072, MONDO:0009181, OMIM 226670.
Epidermolysis bullosa simplex 5C, with pyloric atresia (EBS5C). Also called: PLEC-Related Epidermolysis Bullosa with Pyloric Atresia; Epidermolysis bullosa simplex with pyloric atresia; PLEC1-Related Epidermolysis Bullosa with Pyloric Atresia. Identifiers: Orphanet 158684, MedGen C2677349, MONDO:0012807, OMIM 612138.

Submission:

Labcorp Genetics (formerly Invitae), Labcorp
Classification: Uncertain significance for Autosomal recessive limb-girdle muscular dystrophy type 2Q; Epidermolysis bullosa simplex, Ogna type; Epidermolysis bullosa simplex with nail dystrophy; Epidermolysis bullosa simplex 5C, with pyloric atresia; Epidermolysis bullosa simplex 5B, with muscular dystrophy. Last evaluated: 2024-02-06. Review status: criteria provided, single submitter. Criteria: Invitae Variant Classification Sherloc (09022015). Collection method: clinical testing. Allele origin: germline.
Comment: This sequence change replaces valine, which is neutral and non-polar, with leucine, which is neutral and non-polar, at codon 1271 of the PLEC protein (p.Val1271Leu). This variant is not present in population databases (gnomAD no frequency). This variant has not been reported in the literature in individuals affected with PLEC-related conditions. Advanced modeling of protein sequence and biophysical properties (such as structural, functional, and spatial information, amino acid conservation, physicochemical variation, residue mobility, and thermodynamic stability) performed at Invitae indicates that this missense variant is not expected to disrupt PLEC protein function with a negative predictive value of 80%. In summary, the available evidence is currently insufficient to determine the role of this variant in disease. Therefore, it has been classified as a Variant of Uncertain Significance.